The following is an entry in ClinVar:

ClinVar aggregate classification (germline): Uncertain significance (1 of 4 stars; one submission).

Submission:

Labcorp Genetics (formerly Invitae), Labcorp
Classification: Uncertain significance. Last evaluated: 2023-02-25. Review status: criteria provided, single submitter. Criteria: Invitae Variant Classification Sherloc (09022015). Collection method: clinical testing. Allele origin: germline.
Comment: In summary, the available evidence is currently insufficient to determine the role of this variant in disease. Therefore, it has been classified as a Variant of Uncertain Significance. Experimental studies and prediction algorithms are not available or were not evaluated, and the functional significance of this variant is currently unknown. ClinVar contains an entry for this variant (Variation ID: 1398073). This variant has not been reported in the literature in individuals affected with RASGRP1-related conditions. This variant is present in population databases (no rsID available, gnomAD 0.007%). This variant, c.1447_1449del, results in the deletion of 1 amino acid(s) of the RASGRP1 protein (p.Asp483del), but otherwise preserves the integrity of the reading frame.

NM_005739.4(RASGRP1):c.1447_1449del (p.Asp483del)

Gene: RASGRP1 (RAS guanyl releasing protein 1; minus strand). Cytogenetic location: 15q14.
Variant type: Deletion.
Coding change: c.1447_1449del on transcript NM_005739.4 (MANE Select); coding-DNA positions 1447 to 1449, 3 bases deleted (GAT; older notation c.1447_1449delGAT).
Protein change: p.Asp483del; deletes aspartic acid 483.
Molecular consequence: inframe deletion.
Genome position (GRCh38, 1-based): chr15:38,502,401-38,502,403, ATC deleted on the plus strand (GAT on the coding strand, the reverse complement: RASGRP1 is on the minus strand); deleting any 3 consecutive bases within chr15:38,502,401-38,502,405 gives the same sequence; the c. name uses the placement nearest the transcript's 3' end. VCF-style (leftmost placement, unchanged base first): chr15-38502400-GATC-G. GRCh37 (hg19) VCF-style: chr15-38794601-GATC-G.
Other names: c.1342_1344del, p.Asp448del (NM_001128602.2, NM_001306086.2); short protein forms D448del, D483del.
Identifiers: ClinVar variation 1398073 (VCV001398073.8), dbSNP rs1163072042, ClinGen allele CA617207024.
Genomic context (GRCh38, chr15:38,502,400, plus strand): 5'-ATGGAAAACTCGCAGCAATCTTTTCAAATTCTTCCTGAGAAATGTATCCATCCTGGTCGT[GATC>G]ATAGTTCTTGAAGACAGACTGTGAAAAAGGAGTTTTTTTGGTGATTACTAAAGAGAAACC-3'